The following is an entry in ClinVar:

ClinVar aggregate classification (germline): Uncertain significance (1 of 4 stars; one submission).

Conditions:
Primary ciliary dyskinesia. Also called: Ciliary dyskinesia. Identifiers: Orphanet 244, MedGen C0008780, MONDO:0016575, HP:0012265.

Allele frequency attached by ClinVar (database versions not stated): gnomAD 0.00004; TOPMed 0.00004; ExAC 0.00007.
gnomAD v4.1: 42 of 1,613,966 alleles (0.0026%); highest among the groups gnomAD compares: East Asian, 0.011%; no homozygotes.

Submission:

Labcorp Genetics (formerly Invitae), Labcorp
Classification: Uncertain significance for Primary ciliary dyskinesia. Last evaluated: 2024-10-24. Review status: criteria provided, single submitter. Criteria: Invitae Variant Classification Sherloc (09022015). Collection method: clinical testing. Allele origin: germline.
Comment: This sequence change replaces valine, which is neutral and non-polar, with isoleucine, which is neutral and non-polar, at codon 353 of the DNAAF5 protein (p.Val353Ile). This variant is present in population databases (rs761665711, gnomAD 0.02%). This variant has not been reported in the literature in individuals affected with DNAAF5-related conditions. ClinVar contains an entry for this variant (Variation ID: 2196935). Invitae Evidence Modeling of protein sequence and biophysical properties (such as structural, functional, and spatial information, amino acid conservation, physicochemical variation, residue mobility, and thermodynamic stability) indicates that this missense variant is not expected to disrupt DNAAF5 protein function with a negative predictive value of 80%. In summary, the available evidence is currently insufficient to determine the role of this variant in disease. Therefore, it has been classified as a Variant of Uncertain Significance.

NM_017802.4(DNAAF5):c.1057G>A (p.Val353Ile)

Gene: DNAAF5 (dynein axonemal assembly factor 5; plus strand). Cytogenetic location: 7p22.3.
Variant type: single nucleotide variant.
Coding change: c.1057G>A on transcript NM_017802.4 (MANE Select); coding-DNA position 1057, G replaced by A.
Protein change: p.Val353Ile; replaces valine 353 with isoleucine.
Molecular consequence: missense variant. On other transcripts: non-coding transcript variant (1).
Genome position (GRCh38, 1-based): chr7:754,621, G>A. VCF-style: chr7-754621-G-A. GRCh37 (hg19) VCF-style: chr7-794258-G-A.
Other names: short protein forms V353I.
Identifiers: ClinVar variation 2196935 (VCV002196935.3), dbSNP rs761665711, ClinGen allele CA4110584.
Genomic context (GRCh38, chr7:754,621, plus strand): 5'-TCATTCTTCTTTCCCTTTTTCGTTCCAGAGCGCCGCCCTGTGCTGGGCTGCCGGGAGCTC[G>A]TCTTCAGGAACCTCTCCAAGATCCTCCCTGCCCTGTGCCACGACATCACCGACTGGGTGG-3'
Protein context (NP_060272.3, residues 343-363): RRPVLGCREL[Val353Ile]FRNLSKILPA